The following is an entry in ClinVar:

NM_001818.5(AKR1C4):c.822G>T (p.Glu274Asp)

Gene: AKR1C4 (aldo-keto reductase family 1 member C4; plus strand). Cytogenetic location: 10p15.1.
Variant type: single nucleotide variant.
Coding change: c.822G>T on transcript NM_001818.5 (MANE Select); coding-DNA position 822, G replaced by T.
Protein change: p.Glu274Asp; replaces glutamic acid 274 with aspartic acid.
Molecular consequence: missense variant.
Genome position (GRCh38, 1-based): chr10:5,213,135, G>T. VCF-style: chr10-5213135-G-T. GRCh37 (hg19) VCF-style: chr10-5255098-G-T.
Other names: short protein forms E274D.
Identifiers: ClinVar variation 2716750 (VCV002716750.3), dbSNP rs888966582, ClinGen allele CA202216332.

ClinVar aggregate classification (germline): Uncertain significance (1 of 4 stars; one submission).

Submission:

Labcorp Genetics (formerly Invitae), Labcorp
Classification: Uncertain significance. Last evaluated: 2023-12-12. Review status: criteria provided, single submitter. Criteria: Invitae Variant Classification Sherloc (09022015). Collection method: clinical testing. Allele origin: germline.
Comment: This sequence change replaces glutamic acid, which is acidic and polar, with aspartic acid, which is acidic and polar, at codon 274 of the AKR1C4 protein (p.Glu274Asp). This variant is not present in population databases (gnomAD no frequency). This variant has not been reported in the literature in individuals affected with AKR1C4-related conditions. Advanced modeling of protein sequence and biophysical properties (such as structural, functional, and spatial information, amino acid conservation, physicochemical variation, residue mobility, and thermodynamic stability) has been performed at Invitae for this missense variant, however the output from this modeling did not meet the statistical confidence thresholds required to predict the impact of this variant on AKR1C4 protein function. In summary, the available evidence is currently insufficient to determine the role of this variant in disease. Therefore, it has been classified as a Variant of Uncertain Significance.